The following is an entry in ClinVar:

ClinVar aggregate classification (germline): Benign/Likely benign. Review status: criteria provided, multiple submitters, no conflicts (2 of 4 stars). 3 submissions from 3 submitters: Benign (1); Likely benign (2). Last evaluated 2025-02-28.

Conditions:
Pheochromocytoma/paraganglioma syndrome 5. Also called: Paragangliomas 5; SDHA-Related Hereditary Paraganglioma-Pheochromocytoma Syndrome. Identifiers: Orphanet 29072, MedGen C3279992, MONDO:0013602, OMIM 614165.
Hereditary cancer-predisposing syndrome. Also called: Neoplastic Syndromes, Hereditary; Tumor predisposition; Hereditary neoplastic syndrome; Hereditary Cancer Syndrome. Identifiers: Orphanet 140162, MedGen C0027672, MeSH D009386, MONDO:0015356.
Mitochondrial complex II deficiency, nuclear type 1. Also called: SUCCINATE CoQ REDUCTASE DEFICIENCY. Identifiers: Orphanet 3208, MedGen C5700310, MONDO:0100294, OMIM 252011.

Submissions (3):

Myriad Genetics, Inc.
Classification: Benign for Pheochromocytoma/paraganglioma syndrome 5. Last evaluated: 2025-02-28. Review status: criteria provided, single submitter. Criteria: Myriad Autosomal Dominant, Autosomal Recessive and X-Linked Classification Criteria (2023). Collection method: clinical testing. Allele origin: unknown.
Comment: This variant is considered benign. This variant is a silent/synonymous amino acid change and it is not expected to impact splicing.

Labcorp Genetics (formerly Invitae), Labcorp
Classification: Likely benign for Pheochromocytoma/paraganglioma syndrome 5; Mitochondrial complex II deficiency, nuclear type 1. Last evaluated: 2025-02-26. Review status: criteria provided, single submitter. Criteria: Invitae Variant Classification Sherloc (09022015). Collection method: clinical testing. Allele origin: germline.

Ambry Genetics
Classification: Likely benign for Hereditary cancer-predisposing syndrome. Last evaluated: 2019-02-20. Review status: criteria provided, single submitter. Criteria: Ambry Variant Classification Scheme 2023. Collection method: clinical testing. Allele origin: germline.

NM_004168.4(SDHA):c.453C>G (p.Val151=)

Gene: SDHA (succinate dehydrogenase complex flavoprotein subunit A; plus strand). Cytogenetic location: 5p15.33.
Variant type: single nucleotide variant.
Coding change: c.453C>G on transcript NM_004168.4 (MANE Select); coding-DNA position 453, C replaced by G.
Protein change: p.Val151=; no amino-acid change (valine 151 retained).
Molecular consequence: synonymous variant. On other transcripts: intron variant (1).
Genome position (GRCh38, 1-based): chr5:225,559, C>G. VCF-style: chr5-225559-C-G. GRCh37 (hg19) VCF-style: chr5-225674-C-G.
Other names: c.453C>G, p.Val151= (NM_001330758.2); c.313-324C>G (NM_001294332.2).
Identifiers: ClinVar variation 539707 (VCV000539707.17), dbSNP rs138917116, ClinGen allele CA442691016.